The following is an entry in ClinVar:

NM_006303.4(AIMP2):c.383C>T (p.Pro128Leu)

Gene: AIMP2 (aminoacyl tRNA synthetase complex interacting multifunctional protein 2; plus strand). Cytogenetic location: 7p22.1.
Variant type: single nucleotide variant.
Coding change: c.383C>T on transcript NM_006303.4 (MANE Select); coding-DNA position 383, C replaced by T.
Protein change: p.Pro128Leu; replaces proline 128 with leucine.
Molecular consequence: missense variant.
Genome position (GRCh38, 1-based): chr7:6,017,854, C>T. VCF-style: chr7-6017854-C-T. GRCh37 (hg19) VCF-style: chr7-6057485-C-T.
Other names: c.263C>T, p.Pro88Leu (NM_001326606.2); c.176C>T, p.Pro59Leu (NM_001326607.2); c.149C>T, p.Pro50Leu (NM_001326609.2, NM_001326610.2, NM_001326611.3); c.296C>T, p.Pro99Leu (NM_001362785.2); c.251C>T, p.Pro84Leu (NM_001362787.2); c.383C>T (NM_006303.3); short protein forms P128L, P84L, P99L, P59L, P50L, P88L.
Identifiers: ClinVar variation 2183835 (VCV002183835.5), dbSNP rs747974072, ClinGen allele CA4150343.
Genomic context (GRCh38, chr7:6,017,854, plus strand): 5'-TTGTCTTGGTCTTTCCCCAGGATTACGGGGCGCTGAAAGACATCGTGATCAACGCAAACC[C>T]GGCCTCCCCTCCCCTCTCCCTGCTTGTGCTGCACAGGCTGCTCTGTGAGCACTTCAGGGT-3'
Protein context (NP_006294.2, residues 118-138): ALKDIVINAN[Pro128Leu]ASPPLSLLVL

ClinVar aggregate classification (germline): Uncertain significance. Review status: criteria provided, multiple submitters, no conflicts (2 of 4 stars). 2 submissions from 2 submitters: Uncertain significance (2). Last evaluated 2024-03-18.

Conditions:
Inborn genetic diseases. Identifiers: MedGen C0950123, MeSH D030342.

Allele frequency attached by ClinVar (database versions not stated): gnomAD exomes 0.00001; TOPMed 0.00001; ExAC 0.00002.
gnomAD v4.1: 13 of 1,614,050 alleles (0.00081%); highest among the groups gnomAD compares: Middle Eastern, 0.016%; no homozygotes.

Submissions (2):

Ambry Genetics
Classification: Uncertain significance for Inborn genetic diseases. Last evaluated: 2024-03-18. Review status: criteria provided, single submitter. Criteria: Ambry Variant Classification Scheme 2023. Collection method: clinical testing. Allele origin: germline.

Labcorp Genetics (formerly Invitae), Labcorp
Classification: Uncertain significance. Last evaluated: 2022-01-04. Review status: criteria provided, single submitter. Criteria: Invitae Variant Classification Sherloc (09022015). Collection method: clinical testing. Allele origin: germline.
Comment: Algorithms developed to predict the effect of missense changes on protein structure and function (SIFT, PolyPhen-2, Align-GVGD) all suggest that this variant is likely to be disruptive. This variant has not been reported in the literature in individuals affected with AIMP2-related conditions. This variant is present in population databases (rs747974072, gnomAD 0.003%). This sequence change replaces proline, which is neutral and non-polar, with leucine, which is neutral and non-polar, at codon 128 of the AIMP2 protein (p.Pro128Leu). In summary, the available evidence is currently insufficient to determine the role of this variant in disease. Therefore, it has been classified as a Variant of Uncertain Significance.